The following is an entry in ClinVar:

NM_000821.7(GGCX):c.322C>T (p.Arg108Cys)

Gene: GGCX (gamma-glutamyl carboxylase; minus strand). Cytogenetic location: 2p11.2.
Variant type: single nucleotide variant.
Coding change: c.322C>T on transcript NM_000821.7 (MANE Select); coding-DNA position 322, C replaced by T.
Protein change: p.Arg108Cys; replaces arginine 108 with cysteine.
Molecular consequence: missense variant.
Genome position (GRCh38, 1-based): chr2:85,558,968, G>A on the plus strand (C>T on the coding strand, the complement: GGCX is on the minus strand). VCF-style: chr2-85558968-G-A. GRCh37 (hg19) VCF-style: chr2-85786091-G-A.
Other names: c.151C>T, p.Arg51Cys (NM_001142269.4); c.322C>T, p.Arg108Cys (NM_001311312.3); short protein forms R108C, R51C.
Identifiers: ClinVar variation 2184350 (VCV002184350.1), dbSNP rs748802047, ClinGen allele CA1742169.
Genomic context (GRCh38, chr2:85,558,968, plus strand): 5'-TCCCCTCACCCAGAAACATGATGGTGTAGACAAGATACATCCAGTCAAGTGGCAGTGGGC[G>A]TAGGGCATCCAGCAAGGGGAAGCGGCACACATCCAGCCCATCAAGGTATTTCCGGTCCAG-3'
Protein context (NP_000812.2, residues 98-118): VCRFPLLDAL[Arg108Cys]PLPLDWMYLV

ClinVar aggregate classification (germline): Uncertain significance (1 of 4 stars; one submission).

Allele frequency attached by ClinVar (database versions not stated): ExAC 0.00002; gnomAD exomes 0.00002; gnomAD 0.00005.

Submission:

Labcorp Genetics (formerly Invitae), Labcorp
Classification: Uncertain significance. Last evaluated: 2022-02-18. Review status: criteria provided, single submitter. Criteria: Invitae Variant Classification Sherloc (09022015). Collection method: clinical testing. Allele origin: germline.
Comment: This sequence change replaces arginine, which is basic and polar, with cysteine, which is neutral and slightly polar, at codon 108 of the GGCX protein (p.Arg108Cys). This variant is present in population databases (rs748802047, gnomAD 0.006%). This variant has not been reported in the literature in individuals affected with GGCX-related conditions. Algorithms developed to predict the effect of missense changes on protein structure and function are either unavailable or do not agree on the potential impact of this missense change (SIFT: "Deleterious"; PolyPhen-2: "Possibly Damaging"; Align-GVGD: "Class C0"). In summary, the available evidence is currently insufficient to determine the role of this variant in disease. Therefore, it has been classified as a Variant of Uncertain Significance.